The following is an entry in ClinVar:

NM_020964.3(EPG5):c.2507C>G (p.Ser836Cys)

Gene: EPG5 (ectopic P-granules 5 autophagy tethering factor; minus strand). Cytogenetic location: 18q21.1.
Variant type: single nucleotide variant.
Coding change: c.2507C>G on transcript NM_020964.3 (MANE Select); coding-DNA position 2507, C replaced by G.
Protein change: p.Ser836Cys; replaces serine 836 with cysteine.
Molecular consequence: missense variant.
Genome position (GRCh38, 1-based): chr18:45,928,915, G>C on the plus strand (C>G on the coding strand, the complement: EPG5 is on the minus strand). VCF-style: chr18-45928915-G-C. GRCh37 (hg19) VCF-style: chr18-43508881-G-C.
Other names: c.2507C>G, p.Ser836Cys (NM_001410858.1, NM_001410859.1); short protein forms S836C.
Identifiers: ClinVar variation 2062427 (VCV002062427.4), dbSNP rs1312845136, ClinGen allele CA402346563.

ClinVar aggregate classification (germline): Uncertain significance (1 of 4 stars; one submission).

Conditions:
Vici syndrome (VICIS). Identifiers: Orphanet 1493, MedGen C1855772, MONDO:0009452, OMIM 242840.

Allele frequency attached by ClinVar (database versions not stated): gnomAD exomes below 0.00001; TOPMed below 0.00001; gnomAD 0.00001.
gnomAD v4.1: 2 of 1,613,898 alleles (0.00012%); highest among the groups gnomAD compares: Non-Finnish European, 0.00017%; no homozygotes.

Submission:

Labcorp Genetics (formerly Invitae), Labcorp
Classification: Uncertain significance for Vici syndrome. Last evaluated: 2022-03-20. Review status: criteria provided, single submitter. Criteria: Invitae Variant Classification Sherloc (09022015). Collection method: clinical testing. Allele origin: germline.
Comment: This variant is present in population databases (no rsID available, gnomAD 0.007%). In summary, the available evidence is currently insufficient to determine the role of this variant in disease. Therefore, it has been classified as a Variant of Uncertain Significance. Algorithms developed to predict the effect of missense changes on protein structure and function are either unavailable or do not agree on the potential impact of this missense change (SIFT: "Tolerated"; PolyPhen-2: "Probably Damaging"; Align-GVGD: "Class C0"). This variant has not been reported in the literature in individuals affected with EPG5-related conditions. This sequence change replaces serine, which is neutral and polar, with cysteine, which is neutral and slightly polar, at codon 836 of the EPG5 protein (p.Ser836Cys).